The following is an entry in ClinVar:

ClinVar aggregate classification (germline): Uncertain significance (1 of 4 stars; one submission).

Submission:

Dasa
Classification: Uncertain significance. Last evaluated: 2026-06-08. Review status: criteria provided, single submitter. Criteria: DASA Assertion Criteria. Collection method: clinical testing. Allele origin: germline.
Comment: NM_001170535.3(ATAD3A):c.37G>C (p.Gly13Arg) is a missense variant that results in the substitution of glycine with arginine. This variant is rare in population databases. The currently available literature and clinical evidence are not sufficient to establish a definitive association between this variant and the reported condition. Therefore, this variant is classified as a variant of uncertain significance.

NM_001170535.3(ATAD3A):c.37G>C (p.Gly13Arg)

Gene: ATAD3A (ATPase family AAA domain containing 3A; plus strand). Cytogenetic location: 1p36.33.
Variant type: single nucleotide variant.
Coding change: c.37G>C on transcript NM_001170535.3 (MANE Select); coding-DNA position 37, G replaced by C.
Protein change: p.Gly13Arg; replaces glycine 13 with arginine.
Molecular consequence: missense variant.
Genome position (GRCh38, 1-based): chr1:1,512,305, G>C. VCF-style: chr1-1512305-G-C. GRCh37 (hg19) VCF-style: chr1-1447685-G-C.
Other names: c.37G>C, p.Gly13Arg (NM_018188.5); short protein forms G13R.
Identifiers: ClinVar variation 5020412 (VCV005020412.1).